The following is an entry in ClinVar:

ClinVar aggregate classification (germline): Conflicting classifications of pathogenicity. Review status: criteria provided, conflicting classifications (1 of 4 stars). 4 submissions from 4 submitters: Uncertain significance (3); Likely benign (1). Last evaluated 2025-06-17.

Conditions:
Hereditary cancer-predisposing syndrome. Also called: Neoplastic Syndromes, Hereditary; Hereditary neoplastic syndrome; Tumor predisposition; Hereditary Cancer Syndrome. Identifiers: Orphanet 140162, MedGen C0027672, MeSH D009386, MONDO:0015356.
Multiple endocrine neoplasia, type 1 (MEN1). Also called: Endocrine adenomatosis multiple; MEN 1; MEN I; WERMER SYNDROME; MEA I. Identifiers: Orphanet 652, MedGen C0025267, MeSH D018761, MONDO:0007540, OMIM 131100.

Allele frequency attached by ClinVar (database versions not stated): TOPMed below 0.00001.

Submissions (4):

Ambry Genetics
Classification: Uncertain significance for Hereditary cancer-predisposing syndrome. Last evaluated: 2025-06-17. Review status: criteria provided, single submitter. Criteria: Ambry Variant Classification Scheme 2023. Collection method: clinical testing. Allele origin: germline.
Comment: The p.V537M variant (also known as c.1609G>A), located in coding exon 9 of the MEN1 gene, results from a G to A substitution at nucleotide position 1609. The valine at codon 537 is replaced by methionine, an amino acid with highly similar properties. This amino acid position is poorly conserved in available vertebrate species. In addition, this alteration is predicted to be tolerated by in silico analysis. Since supporting evidence is limited at this time, the clinical significance of this alteration remains unclear.

Labcorp Genetics (formerly Invitae), Labcorp
Classification: Uncertain significance for Multiple endocrine neoplasia, type 1. Last evaluated: 2024-02-08. Review status: criteria provided, single submitter. Criteria: Invitae Variant Classification Sherloc (09022015). Collection method: clinical testing. Allele origin: germline.
Comment: This sequence change replaces valine, which is neutral and non-polar, with methionine, which is neutral and non-polar, at codon 537 of the MEN1 protein (p.Val537Met). The frequency data for this variant in the population databases is considered unreliable, as metrics indicate poor data quality at this position in the gnomAD database. This variant has not been reported in the literature in individuals affected with MEN1-related conditions. ClinVar contains an entry for this variant (Variation ID: 384080). Advanced modeling of protein sequence and biophysical properties (such as structural, functional, and spatial information, amino acid conservation, physicochemical variation, residue mobility, and thermodynamic stability) performed at Invitae indicates that this missense variant is not expected to disrupt MEN1 protein function with a negative predictive value of 95%. In summary, the available evidence is currently insufficient to determine the role of this variant in disease. Therefore, it has been classified as a Variant of Uncertain Significance.

All of Us Research Program, National Institutes of Health
Classification: Uncertain significance for Multiple endocrine neoplasia, type 1. Last evaluated: 2023-02-24. Review status: criteria provided, single submitter. Criteria: ACMG Guidelines, 2015. Collection method: clinical testing. Allele origin: germline. Inheritance: Autosomal dominant inheritance. Observed: 1 variant allele, 1 heterozygote.
Comment: This missense variant replaces valine with methionine at codon 537 of the MEN1 protein. Computational prediction suggests that this variant may not impact protein structure and function (internally defined REVEL score threshold <= 0.5, PMID: 27666373). To our knowledge, functional studies have not been reported for this variant. This variant has not been reported in individuals affected with MEN1-related disorders in the literature. This variant has not been identified in the general population by the Genome Aggregation Database (gnomAD). The available evidence is insufficient to determine the role of this variant in disease conclusively. Therefore, this variant is classified as a Variant of Uncertain Significance.

This study involves interpretation of variants in research participants for the purpose of population health screening. Participant phenotype was not available at the time of variant classification. Additional details can be found in publication PMID: 35346344, PMCID: PMC8962531

GeneDx
Classification: Likely benign. Last evaluated: 2016-02-24. Review status: criteria provided, single submitter. Criteria: GeneDx Variant Classification (06012015). Collection method: clinical testing. Allele origin: germline. Affected: yes.
Comment: This variant is considered likely benign or benign based on one or more of the following criteria: it is a conservative change, it occurs at a poorly conserved position in the protein, it is predicted to be benign by multiple in silico algorithms, and/or has population frequency not consistent with disease.

NM_001370259.2(MEN1):c.1609G>A (p.Val537Met)

Gene: MEN1 (menin 1; minus strand). Cytogenetic location: 11q13.1.
Variant type: single nucleotide variant.
Coding change: c.1609G>A on transcript NM_001370259.2 (MANE Select); coding-DNA position 1609, G replaced by A.
Protein change: p.Val537Met; replaces valine 537 with methionine.
Molecular consequence: missense variant.
Genome position (GRCh38, 1-based): chr11:64,804,558, C>T on the plus strand (G>A on the coding strand, the complement: MEN1 is on the minus strand). VCF-style: chr11-64804558-C-T. GRCh37 (hg19) VCF-style: chr11-64572030-C-T.
Other names: c.1624G>A, p.Val542Met (NM_000244.4, NM_130800.3, NM_130801.3 and 3 more transcripts); c.1735G>A, p.Val579Met (NM_001370251.2); c.1609G>A, p.Val537Met (NM_001370260.2, NM_001370261.2, NM_130799.3); c.1504G>A, p.Val502Met (NM_001370262.2, NM_001370263.2); short protein forms V537M, V542M, V502M, V579M.
Identifiers: ClinVar variation 384080 (VCV000384080.15), dbSNP rs1057521847, ClinGen allele CA16606963.